The following is an entry in ClinVar:

ClinVar aggregate classification (germline): Uncertain significance (1 of 4 stars; one submission).

Conditions:
Primary ciliary dyskinesia 30. Also called: CILIARY DYSKINESIA, PRIMARY, 30, WITH OR WITHOUT SITUS INVERSUS. Identifiers: Orphanet 244, MedGen C4015016, MONDO:0014465, OMIM 616037.

Submission:

Labcorp Genetics (formerly Invitae), Labcorp
Classification: Uncertain significance for Primary ciliary dyskinesia 30. Last evaluated: 2025-12-09. Review status: criteria provided, single submitter. Criteria: Invitae Variant Classification Sherloc (09022015). Collection method: clinical testing. Allele origin: germline.
Comment: This sequence change replaces alanine, which is neutral and non-polar, with glycine, which is neutral and non-polar, at codon 432 of the CCDC151 protein (p.Ala432Gly). This variant is not present in population databases (gnomAD no frequency). This variant has not been reported in the literature in individuals affected with CCDC151-related conditions. ClinVar contains an entry for this variant (Variation ID: 2892450). An algorithm developed to predict the effect of missense changes on protein structure and function (PolyPhen-2) suggests that this variant is likely to be tolerated. In summary, the available evidence is currently insufficient to determine the role of this variant in disease. Therefore, it has been classified as a Variant of Uncertain Significance.

NM_145045.5(ODAD3):c.1295C>G (p.Ala432Gly)

Gene: ODAD3 (outer dynein arm docking complex subunit 3; minus strand). Cytogenetic location: 19p13.2.
Variant type: single nucleotide variant.
Coding change: c.1295C>G on transcript NM_145045.5 (MANE Select); coding-DNA position 1295, C replaced by G.
Protein change: p.Ala432Gly; replaces alanine 432 with glycine.
Molecular consequence: missense variant.
Genome position (GRCh38, 1-based): chr19:11,422,610, G>C on the plus strand (C>G on the coding strand, the complement: ODAD3 is on the minus strand). VCF-style: chr19-11422610-G-C. GRCh37 (hg19) VCF-style: chr19-11533278-G-C.
Other names: c.1133C>G, p.Ala378Gly (NM_001302453.1); c.1115C>G, p.Ala372Gly (NM_001302454.2); short protein forms A432G, A372G, A378G.
Identifiers: ClinVar variation 2892450 (VCV002892450.3), dbSNP rs1025854579, ClinGen allele CA305327073.